The following is an entry in ClinVar:

ClinVar aggregate classification (germline): Uncertain significance (1 of 4 stars; one submission).

Submission:

Labcorp Genetics (formerly Invitae), Labcorp
Classification: Uncertain significance. Last evaluated: 2023-07-17. Review status: criteria provided, single submitter. Criteria: Invitae Variant Classification Sherloc (09022015). Collection method: clinical testing. Allele origin: germline.
Comment: This sequence change replaces arginine, which is basic and polar, with glutamine, which is neutral and polar, at codon 377 of the GDF5 protein (p.Arg377Gln). In summary, the available evidence is currently insufficient to determine the role of this variant in disease. Therefore, it has been classified as a Variant of Uncertain Significance. Advanced modeling of protein sequence and biophysical properties (such as structural, functional, and spatial information, amino acid conservation, physicochemical variation, residue mobility, and thermodynamic stability) performed at Invitae indicates that this missense variant is not expected to disrupt GDF5 protein function. ClinVar contains an entry for this variant (Variation ID: 2016281). This variant has not been reported in the literature in individuals affected with GDF5-related conditions. This variant is present in population databases (no rsID available, gnomAD 0.006%).

NM_000557.5(GDF5):c.1130G>A (p.Arg377Gln)

Genes: GDF5 (growth differentiation factor 5; minus strand), GDF5-AS1 (GDF5 antisense RNA 1; plus strand). Cytogenetic location: 20q11.22.
Variant type: single nucleotide variant.
Coding change: c.1130G>A on transcript NM_000557.5 (MANE Select); coding-DNA position 1130, G replaced by A.
Protein change: p.Arg377Gln; replaces arginine 377 with glutamine.
Molecular consequence: missense variant. On other transcripts: non-coding transcript variant (1).
Genome position (GRCh38, 1-based): chr20:35,434,285, C>T on the plus strand (G>A on the coding strand, the complement: GDF5 is on the minus strand). VCF-style: chr20-35434285-C-T. GRCh37 (hg19) VCF-style: chr20-34022083-C-T.
Other names: c.1130G>A, p.Arg377Gln (NM_001319138.2); short protein forms R377Q.
Identifiers: ClinVar variation 2016281 (VCV002016281.4), dbSNP rs746953093, ClinGen allele CA408739740.